The following is an entry in ClinVar:

NM_001020658.2(PUM1):c.376G>A (p.Asp126Asn)

Gene: PUM1 (pumilio RNA binding family member 1; minus strand). Cytogenetic location: 1p35.2.
Variant type: single nucleotide variant.
Coding change: c.376G>A on transcript NM_001020658.2 (MANE Select); coding-DNA position 376, G replaced by A.
Protein change: p.Asp126Asn; replaces aspartic acid 126 with asparagine.
Molecular consequence: missense variant.
Genome position (GRCh38, 1-based): chr1:31,028,852, C>T on the plus strand (G>A on the coding strand, the complement: PUM1 is on the minus strand). VCF-style: chr1-31028852-C-T. GRCh37 (hg19) VCF-style: chr1-31501699-C-T.
Other names: c.376G>A, p.Asp126Asn (NM_014676.3); short protein forms D126N.
Identifiers: ClinVar variation 5017809 (VCV005017809.1).

ClinVar aggregate classification (germline): Uncertain significance (1 of 4 stars; one submission).

Submission:

GeneDx
Classification: Uncertain significance. Last evaluated: 2026-03-28. Review status: criteria provided, single submitter. Criteria: GeneDx Variant Classification Process June 2021. Collection method: clinical testing. Allele origin: germline.
Comment: Not observed at significant frequency in large population cohorts (gnomAD); In silico analysis suggests that this missense variant does not alter protein structure/function; Has not been previously published as pathogenic or benign to our knowledge